The following is an entry in ClinVar:

ClinVar aggregate classification (germline): Benign. Review status: criteria provided, multiple submitters, no conflicts (2 of 4 stars). 4 submissions from 4 submitters: Benign (4). Last evaluated 2026-09-01.

Allele frequency attached by ClinVar (database versions not stated): ESP Exome Variant Server 0.00957; 1000 Genomes Project 30x 0.00547; 1000 Genomes Project 0.00599; gnomAD 0.00813 and 0.00814; TOPMed 0.00844.
gnomAD v4.1: 15,537 of 1,612,678 alleles (0.96%); highest among the groups gnomAD compares: Non-Finnish European, 1.1%; 110 homozygotes.

Submissions (4):

CeGaT Center for Human Genetics Tuebingen
Classification: Benign. Last evaluated: 2026-09-01. Review status: criteria provided, single submitter. Criteria: CeGaT Center For Human Genetics Tuebingen Variant Classification Criteria Version 2. Collection method: clinical testing. Allele origin: germline. Affected: yes. Observed: 15 variant alleles.
Comment: MPDZ: BP4, BS1, BS2

Labcorp Genetics (formerly Invitae), Labcorp
Classification: Benign. Last evaluated: 2026-02-02. Review status: criteria provided, single submitter. Criteria: Invitae Variant Classification Sherloc (09022015). Collection method: clinical testing. Allele origin: germline.

Genetic Services Laboratory, University of Chicago
Classification: Benign. Last evaluated: 2020-03-13. Review status: criteria provided, single submitter. Criteria: ACMG Guidelines, 2015. Collection method: clinical testing. Allele origin: germline. Affected: no.

Breakthrough Genomics
Classification: Benign. Review status: criteria provided, single submitter. Criteria: ACMG Guidelines, 2015. Collection method: not provided. Allele origin: germline. Inheritance: Autosomal recessive inheritance. Affected: yes.

NM_001378778.1(MPDZ):c.275C>T (p.Ser92Leu)

Gene: MPDZ (multiple PDZ domain crumbs cell polarity complex component; minus strand). Cytogenetic location: 9p23.
Variant type: single nucleotide variant.
Coding change: c.275C>T on transcript NM_001378778.1 (MANE Select); coding-DNA position 275, C replaced by T.
Protein change: p.Ser92Leu; replaces serine 92 with leucine.
Molecular consequence: missense variant.
Genome position (GRCh38, 1-based): chr9:13,224,492, G>A on the plus strand (C>T on the coding strand, the complement: MPDZ is on the minus strand). VCF-style: chr9-13224492-G-A. GRCh37 (hg19) VCF-style: chr9-13224491-G-A.
Other names: c.275C>T, p.Ser92Leu (NM_001261406.2, NM_001261407.2, NM_001330637.2 and 14 more transcripts); short protein forms S92L.
Identifiers: ClinVar variation 774428 (VCV000774428.40), dbSNP rs17273542, ClinGen allele CA4988171.